The following is an entry in ClinVar:

NM_001164508.2(NEB):c.19626+1G>A

Genes: NEB (nebulin; minus strand), LOC126806373 (BRD4-independent group 4 enhancer GRCh37_chr2:152410007-152411206; plus strand). Cytogenetic location: 2q23.3.
Variant type: single nucleotide variant.
Coding change: c.19626+1G>A on transcript NM_001164508.2 (MANE Select); the canonical splice donor site of the intron after coding-DNA position 19626, G replaced by A.
Molecular consequence: splice donor variant.
Genome position (GRCh38, 1-based): chr2:151,553,827, C>T on the plus strand (G>A on the coding strand, the complement: NEB is on the minus strand). VCF-style: chr2-151553827-C-T. GRCh37 (hg19) VCF-style: chr2-152410341-C-T.
Other names: c.14523+1G>A (NM_004543.5); c.19626+1G>A (NM_001164507.2, NM_001271208.2).
Identifiers: ClinVar variation 691986 (VCV000691986.11), dbSNP rs756352186, ClinGen allele CA1907597.
Genomic context (GRCh38, chr2:151,553,827, plus strand): 5'-CCTTCTGGGTGGGGCCGTGGGGCGGGGCCGTGGAGGGGTACTTCTTAAGTCACAGGCTTA[C>T]ATCGCTGATCTGATCTGTGACTTTCCTGACGTGATCATTGACTTGCAAGTCGGGGTGGCA-3'

ClinVar aggregate classification (germline): Likely pathogenic. Review status: criteria provided, multiple submitters, no conflicts (2 of 4 stars). 4 submissions from 4 submitters: Likely pathogenic (4). Last evaluated 2024-03-30.

Conditions:
Nemaline myopathy 2 (NEM2). Also called: Nemaline myopathy 2, autosomal recessive. Identifiers: MedGen C1850569, MONDO:0009725, OMIM 256030.
Nemaline myopathy. Also called: Myopathies, Nemaline. Identifiers: Orphanet 607, MedGen C0206157, MONDO:0018958.

Allele frequency attached by ClinVar (database versions not stated): TOPMed below 0.00001; ExAC 0.00001.
gnomAD v4.1: 1 of 1,606,374 alleles (0.000062%); highest among the groups gnomAD compares: Admixed American, 0.0017%; no homozygotes.

Submissions (4):

GeneDx
Classification: Likely pathogenic. Last evaluated: 2024-03-30. Review status: criteria provided, single submitter. Criteria: GeneDx Variant Classification Process June 2021. Collection method: clinical testing. Allele origin: germline. Affected: yes.
Comment: Not observed at significant frequency in large population cohorts (gnomAD); Canonical splice site variant predicted to result in an in-frame loss of the adjacent exon in a gene for which loss of function is a known mechanism of disease; Deletions and loss of function variants involving coding exons of this gene are a known mechanism of disease (HGMD); This variant is associated with the following publications: (PMID: 16199547, 29644095, 25205138, 34645491)

Labcorp Genetics (formerly Invitae), Labcorp
Classification: Likely pathogenic for Nemaline myopathy 2. Last evaluated: 2023-01-03. Review status: criteria provided, single submitter. Criteria: Invitae Variant Classification Sherloc (09022015). Collection method: clinical testing. Allele origin: germline.
Comment: This sequence change affects a donor splice site in intron 126 of the NEB gene. It is expected to disrupt RNA splicing. Variants that disrupt the donor or acceptor splice site typically lead to a loss of protein function (PMID: 16199547), and loss-of-function variants in NEB are known to be pathogenic (PMID: 25205138). This variant is present in population databases (rs756352186, gnomAD 0.003%). Disruption of this splice site has been observed in individual(s) with NEB-related conditions (PMID: 29644095). ClinVar contains an entry for this variant (Variation ID: 691986). Algorithms developed to predict the effect of sequence changes on RNA splicing suggest that this variant may disrupt the consensus splice site. In summary, the currently available evidence indicates that the variant is pathogenic, but additional data are needed to prove that conclusively. Therefore, this variant has been classified as Likely Pathogenic.

Women's Health and Genetics/Laboratory Corporation of America, LabCorp
Classification: Likely pathogenic for Nemaline myopathy. Last evaluated: 2021-11-05. Review status: criteria provided, single submitter. Criteria: LabCorp Variant Classification Summary - May 2015. Collection method: clinical testing. Allele origin: germline.
Comment: Variant summary: NEB c.19626+1G>A alters a conserved nucleotide located in a canonical splice-site and is predicted to affect mRNA splicing resulting in a significantly altered protein due to either exon skipping, shortening, or inclusion of intronic material. Several computational tools predict a significant impact on normal splicing: Four predict the variant abolishes a 5' splicing donor site. However, these predictions have yet to be confirmed by functional studies. The variant allele was found at a frequency of 4.1e-06 in 243710 control chromosomes (gnomAD). c.19626+1G>A has been reported in the literature as a compound heterozygous genotype in at-least one individual affected with Nemaline Myopathy 2 (example, Farnaes_2018). To our knowledge, no experimental evidence demonstrating an impact on protein function has been reported. One clinical diagnostic laboratory has submitted clinical-significance assessments for this variant to ClinVar after 2014 and classified the variant as likely pathogenic. Based on the evidence outlined above, the variant was classified as likely pathogenic.

Rady Children's Institute for Genomic Medicine, Rady Children's Hospital San Diego
Classification: Likely pathogenic for NEMALINE MYOPATHY 2. Last evaluated: 2016-10-03. Review status: criteria provided, single submitter. Criteria: ACMG Guidelines, 2015. Collection method: clinical testing. Allele origin: germline. Affected: yes. Observed: 1 variant allele.
Comment: This canonical splice donor variant is predicted to alter the function of the protein. This variant was found in only one individual in the Exome Aggregation Consortium (ExAC) database. Thus, it is presumed to be rare. The genomic position is highly conserved and in silico splicing algorithms predict the variant alters splicing mechanisms. Although this particular variant is unreported in the literature, splice site variants are well established as disease causing in the NEB gene (PMID: 25205138). Based on the available evidence, the c.19626+1G>A variant is classified as a likely pathogenic variant.

Literature cited by the submitters: PubMed 16199547 (cited by Labcorp Genetics (formerly Invitae), Labcorp); PubMed 25205138 (cited by Labcorp Genetics (formerly Invitae), Labcorp); PubMed 29644095 (cited by Labcorp Genetics (formerly Invitae), Labcorp and Women's Health and Genetics/Laboratory Corporation of America, LabCorp).